The following is an entry in ClinVar:

NM_177438.3(DICER1):c.3589T>C (p.Cys1197Arg)

Gene: DICER1 (dicer 1, ribonuclease III; minus strand). Cytogenetic location: 14q32.13.
Variant type: single nucleotide variant.
Coding change: c.3589T>C on transcript NM_177438.3 (MANE Select); coding-DNA position 3589, T replaced by C.
Protein change: p.Cys1197Arg; replaces cysteine 1197 with arginine.
Molecular consequence: missense variant. On other transcripts: non-coding transcript variant (6).
Genome position (GRCh38, 1-based): chr14:95,103,807, A>G on the plus strand (T>C on the coding strand, the complement: DICER1 is on the minus strand). VCF-style: chr14-95103807-A-G. GRCh37 (hg19) VCF-style: chr14-95570144-A-G.
Other names: c.3184T>C, p.Cys1062Arg (NM_001395687.1, NM_001395688.1, NM_001395689.1 and 2 more transcripts); c.3589T>C, p.Cys1197Arg (NM_001395684.1, NM_001395679.1, NM_001395680.1 and 12 more transcripts); c.3307T>C, p.Cys1103Arg (NM_001395686.1); c.3022T>C, p.Cys1008Arg (NM_001395691.1); c.1906T>C, p.Cys636Arg (NM_001395697.1); short protein forms C1103R, C1008R, C1062R, C1197R, C636R.
Identifiers: ClinVar variation 4777927 (VCV004777927.1).

ClinVar aggregate classification (germline): Uncertain significance (1 of 4 stars; one submission).

Conditions:
DICER1-related tumor predisposition. Also called: DICER1-related pleuropulmonary blastoma cancer predisposition syndrome; DICER1 syndrome. Identifiers: Orphanet 284343, MedGen C3839822, MONDO:0100216.

Submission:

Labcorp Genetics (formerly Invitae), Labcorp
Classification: Uncertain significance for DICER1-related tumor predisposition. Last evaluated: 2025-02-25. Review status: criteria provided, single submitter. Criteria: Invitae Variant Classification Sherloc (09022015). Collection method: clinical testing. Allele origin: germline.
Comment: This sequence change replaces cysteine, which is neutral and slightly polar, with arginine, which is basic and polar, at codon 1197 of the DICER1 protein (p.Cys1197Arg). This variant is not present in population databases (gnomAD no frequency). This variant has not been reported in the literature in individuals affected with DICER1-related conditions. Invitae Evidence Modeling of protein sequence and biophysical properties (such as structural, functional, and spatial information, amino acid conservation, physicochemical variation, residue mobility, and thermodynamic stability) indicates that this missense variant is not expected to disrupt DICER1 protein function with a negative predictive value of 95%. In summary, the available evidence is currently insufficient to determine the role of this variant in disease. Therefore, it has been classified as a Variant of Uncertain Significance.